The following is an entry in ClinVar:

NM_001083614.2(EARS2):c.*1362T>C

Genes: EARS2 (glutamyl-tRNA synthetase 2, mitochondrial; minus strand), GGA2 (golgi associated, gamma adaptin ear containing, ARF binding protein 2; minus strand). Cytogenetic location: 16p12.2.
Variant type: single nucleotide variant.
Coding change: c.*1362T>C on transcript NM_001083614.2 (MANE Select); 1362 bases downstream of the stop codon, T replaced by C.
Molecular consequence: 3 prime UTR variant. On other transcripts: non-coding transcript variant (1).
Genome position (GRCh38, 1-based): chr16:23,523,009, A>G on the plus strand (T>C on the coding strand, the complement: EARS2 is on the minus strand). VCF-style: chr16-23523009-A-G. GRCh37 (hg19) VCF-style: chr16-23534330-A-G.
Identifiers: ClinVar variation 886967 (VCV000886967.4), dbSNP rs7342735, ClinGen allele CA279503176.

ClinVar aggregate classification (germline): Benign (1 of 4 stars; one submission).

Conditions:
Leukoencephalopathy-thalamus and brainstem anomalies-high lactate syndrome. Also called: LEUKOENCEPHALOPATHY WITH THALAMUS AND BRAINSTEM INVOLVEMENT AND HIGH LACTATE; Combined oxidative phosphorylation deficiency 12. Identifiers: Orphanet 314051, MedGen C4706421, MONDO:0013971, OMIM 614924.

Allele frequency attached by ClinVar (database versions not stated): gnomAD 0.00770 and 0.00796; TOPMed 0.00869; 1000 Genomes Project 0.00919; 1000 Genomes Project 30x 0.01093.

Submission:

Illumina Laboratory Services, Illumina
Classification: Benign for Leukoencephalopathy-thalamus and brainstem anomalies-high lactate syndrome. Last evaluated: 2018-01-13. Review status: criteria provided, single submitter. Criteria: ICSL Variant Classification Criteria 13 December 2019. Collection method: clinical testing. Allele origin: germline.
Comment: This variant was observed in the ICSL laboratory as part of a predisposition screen in an ostensibly healthy population. It had not been previously curated by ICSL or reported in the Human Gene Mutation Database (HGMD: prior to June 1st, 2018), and was therefore a candidate for classification through an automated scoring system. Utilizing variant allele frequency, disease prevalence and penetrance estimates, and inheritance mode, an automated score was calculated to assess if this variant is too frequent to cause the disease. Based on the score and internal cut-off values, a variant classified as benign is not then subjected to further curation. The score for this variant resulted in a classification of benign for this disease.